The following is an entry in ClinVar:

NM_025103.4(IFT74):c.165A>G (p.Ile55Met)

Gene: IFT74 (intraflagellar transport 74; plus strand). Cytogenetic location: 9p21.2.
Variant type: single nucleotide variant.
Coding change: c.165A>G on transcript NM_025103.4 (MANE Select); coding-DNA position 165, A replaced by G.
Protein change: p.Ile55Met; replaces isoleucine 55 with methionine.
Molecular consequence: missense variant.
Genome position (GRCh38, 1-based): chr9:26,978,172, A>G. VCF-style: chr9-26978172-A-G. GRCh37 (hg19) VCF-style: chr9-26978170-A-G.
Other names: c.165A>G, p.Ile55Met (NM_001099222.3, NM_001099223.3, NM_001099224.3 and 1 more transcripts); c.165A>G (NM_025103.2); short protein forms I55M.
Identifiers: ClinVar variation 1247882 (VCV001247882.15), dbSNP rs10812505, ClinGen allele CA5014838.
Genomic context (GRCh38, chr9:26,978,172, plus strand): 5'-CTTGTTTGTCATTTAGATGCCACCTGGGACAGCAAGACCAGGTTCTCGTGGTTGTCCCAT[A>G]GGGACTGGTGGAGTTCTGTCTTCTCAAATCAAAGTTGCCCATCGCCCTGTAACACAACAA-3'
Protein context (NP_079379.2, residues 45-65): TARPGSRGCP[Ile55Met]GTGGVLSSQI

ClinVar aggregate classification (germline): Benign. Review status: criteria provided, multiple submitters, no conflicts (2 of 4 stars). 6 submissions from 6 submitters: Benign (5). 1 of the submissions does not count toward it. Last evaluated 2026-02-04.

Conditions:
IFT74-related disorder. Also called: IFT74-Related Disorders; IFT74-related condition.
Bardet-Biedl syndrome 22 (BBS22). Identifiers: MedGen C5561936, MONDO:0014926, OMIM 617119.

Allele frequency attached by ClinVar (database versions not stated): ESP Exome Variant Server 0.02967; gnomAD 0.05909 and 0.06767; gnomAD exomes 0.06698 and 0.11108; TOPMed 0.07302; ExAC 0.10349; 1000 Genomes Project 30x 0.16193; 1000 Genomes Project 0.17113.
gnomAD v4.1: 108,610 of 1,612,016 alleles (6.7%); highest among the groups gnomAD compares: East Asian, 54%; 10,287 homozygotes.

Submissions (6):

Labcorp Genetics (formerly Invitae), Labcorp
Classification: Benign. Last evaluated: 2026-02-04. Review status: criteria provided, single submitter. Criteria: Invitae Variant Classification Sherloc (09022015). Collection method: clinical testing. Allele origin: germline.

Blueprint Genetics
Classification: Benign. Last evaluated: 2024-11-27. Review status: criteria provided, single submitter. Criteria: ACMG Guidelines, 2015. Collection method: clinical testing. Allele origin: germline.

Genome-Nilou Lab
Classification: Benign for Bardet-Biedl syndrome 22. Last evaluated: 2021-08-10. Review status: criteria provided, single submitter. Criteria: ACMG Guidelines, 2015. Collection method: clinical testing. Allele origin: germline. Affected: no.

GeneDx
Classification: Benign. Last evaluated: 2018-11-12. Review status: criteria provided, single submitter. Criteria: GeneDx Variant Classification Process June 2021. Collection method: clinical testing. Allele origin: germline. Affected: yes.

Breakthrough Genomics
Classification: Benign. Review status: criteria provided, single submitter. Criteria: ACMG Guidelines, 2015. Collection method: not provided. Allele origin: germline. Inheritance: Autosomal recessive inheritance. Affected: yes.

PreventionGenetics, part of Exact Sciences
Classification: Benign for IFT74-related condition. Last evaluated: 2020-03-24. Review status: no assertion criteria provided. Collection method: clinical testing. Allele origin: germline. Not counted in ClinVar's aggregate classification.
Comment: This variant is classified as benign based on ACMG/AMP sequence variant interpretation guidelines (Richards et al. 2015 PMID: 25741868, with internal and published modifications).